The following is an entry in ClinVar:

ClinVar aggregate classification (germline): Pathogenic/Likely pathogenic. Review status: criteria provided, multiple submitters, no conflicts (2 of 4 stars). 5 submissions from 5 submitters: Pathogenic (3); Likely pathogenic (1). 1 of the submissions does not count toward it. Last evaluated 2025-11-05.

Conditions:
Sjögren-Larsson syndrome (SLS). Also called: FALDH DEFICIENCY; FATTY ALCOHOL:NAD+ OXIDOREDUCTASE DEFICIENCY; FATTY ALDEHYDE DEHYDROGENASE DEFICIENCY; ICHTHYOSIS, SPASTIC NEUROLOGIC DISORDER, AND OLIGOPHRENIA. Identifiers: Orphanet 816, MedGen C0037231, MONDO:0010031, OMIM 270200.

Submissions (5):

Natera, Inc.
Classification: Likely pathogenic for Sjögren-Larsson syndrome. Last evaluated: 2025-11-05. Review status: criteria provided, single submitter. Criteria: Natera Variant Classification Schema (03/2026). Collection method: clinical testing. Allele origin: germline.
Comment: The c.979delG variant in ALDH3A2 is a frameshift variant predicted to shift the reading frame and introduce a stop codon. This variant is expected to result in nonsense mediated decay, truncation, or a dysfunctional protein product. This variant is rare in the general population with a frequency below the threshold expected for the associated phenotype(s). Given the available evidence, this variant is classified as Likely Pathogenic.

Laboratorio de Genetica e Diagnostico Molecular, Hospital Israelita Albert Einstein
Classification: Pathogenic for Sjögren-Larsson syndrome. Last evaluated: 2024-09-09. Review status: criteria provided, single submitter. Criteria: ACMG Guidelines, 2015. Collection method: clinical testing. Allele origin: germline. Affected: yes.
Comment: ACMG classification criteria: PVS1 very strong, PM2 supporting, PM3 supporting

Labcorp Genetics (formerly Invitae), Labcorp
Classification: Pathogenic. Last evaluated: 2023-03-04. Review status: criteria provided, single submitter. Criteria: Invitae Variant Classification Sherloc (09022015). Collection method: clinical testing. Allele origin: germline.
Comment: This variant is present in population databases (rs779956047, gnomAD 0.01%). For these reasons, this variant has been classified as Pathogenic. ClinVar contains an entry for this variant (Variation ID: 557168). This variant has not been reported in the literature in individuals affected with ALDH3A2-related conditions. This sequence change creates a premature translational stop signal (p.Val327*) in the ALDH3A2 gene. It is expected to result in an absent or disrupted protein product. Loss-of-function variants in ALDH3A2 are known to be pathogenic (PMID: 10577908, 10854114).

Dasa
Classification: Pathogenic for Sjögren-Larsson syndrome. Last evaluated: 2022-02-14. Review status: criteria provided, single submitter. Criteria: ACMG Guidelines, 2015. Collection method: clinical testing. Allele origin: germline. Affected: yes. Observed: 1 variant allele.
Comment: The c.979del;p.(Val327*) is a null frameshift variant in the ALDH3A2 gene and predicts alteration of the nonsense-mediate decay - NMD is present in a relevant exon to the transcript -PVS1. This sequence change has been observed in affected individual(s) and ClinVar contains an entry for this variant (Clinvar ID: 557168) - PS4_supporting. This variant is not present in population databases (rs779956047, gnomAD; ABraOM no frequency) - PM2. In summary, the currently available evidence indicates that the variant is pathogenic.

Counsyl
Classification: Likely pathogenic for Sjögren-Larsson syndrome. Last evaluated: 2018-03-12. Review status: no assertion criteria provided. Collection method: clinical testing. Allele origin: unknown. Not counted in ClinVar's aggregate classification.

Literature cited by the submitters: PubMed 10577908 (cited by Labcorp Genetics (formerly Invitae), Labcorp); PubMed 10854114 (cited by Labcorp Genetics (formerly Invitae), Labcorp).

NM_000382.3(ALDH3A2):c.979del (p.Lys326_Val327insTer)

Gene: ALDH3A2 (aldehyde dehydrogenase 3 family member A2; plus strand). Cytogenetic location: 17p11.2.
Variant type: Deletion.
Coding change: c.979del on transcript NM_000382.3 (MANE Select); coding-DNA position 979, one base deleted (G; older notation c.979delG).
Protein change: p.Lys326_Val327insTer.
Molecular consequence: nonsense.
Genome position (GRCh38, 1-based): chr17:19,663,371, G deleted; the last of 2 consecutive G bases (chr17:19,663,370-19,663,371); deleting either gives the same sequence. VCF-style (leftmost placement, unchanged base first): chr17-19663369-AG-A. GRCh37 (hg19) VCF-style: chr17-19566682-AG-A.
Other names: c.979del, p.Lys326_Val327insTer (NM_001031806.2, NM_001369136.1, NM_001369137.2 and 3 more transcripts); c.400del, p.Lys133_Val134insTer (NM_001369148.2).
Identifiers: ClinVar variation 557168 (VCV000557168.13), dbSNP rs779956047, ClinGen allele CA8442980.
Genomic context (GRCh38, chr17:19,663,369, plus strand): 5'-TCATTTTGTTTATTTTCTTTTTAGCCCCAACAGTACTTACCGATGTTGATCCTAAAACCA[AG>A]GTGATGCAAGAAGAAATTTTTGGACCAATTCTTCCAATAGTGCCTGTGAAAAATGTAGAT-3'